The following is an entry in ClinVar:

ClinVar aggregate classification (germline): Likely benign (1 of 4 stars; one submission).

Allele frequency attached by ClinVar (database versions not stated): gnomAD exomes 0.00026; ExAC 0.00178; gnomAD 0.00273; TOPMed 0.00306; 1000 Genomes Project 0.00339; 1000 Genomes Project 30x 0.00390.
gnomAD v4.1: 805 of 1,548,678 alleles (0.052%); highest among the groups gnomAD compares: African/African-American, 0.98%; 4 homozygotes.

Submission:

CeGaT Center for Human Genetics Tuebingen
Classification: Likely benign. Last evaluated: 2023-04-01. Review status: criteria provided, single submitter. Criteria: CeGaT Center For Human Genetics Tuebingen Variant Classification Criteria Version 2. Collection method: clinical testing. Allele origin: germline. Affected: yes. Observed: 1 variant allele.
Comment: LRTM3: BP4, BS2

NM_001146197.3(LRTM3):c.7664T>C (p.Phe2555Ser)

Gene: LRTM3 (leucine rich repeat transmembrane protein 3; minus strand). Cytogenetic location: 13q33.1.
Variant type: single nucleotide variant.
Coding change: c.7664T>C on transcript NM_001146197.3 (MANE Select); coding-DNA position 7664, T replaced by C.
Protein change: p.Phe2555Ser; replaces phenylalanine 2555 with serine.
Molecular consequence: missense variant.
Genome position (GRCh38, 1-based): chr13:102,743,033, A>G on the plus strand (T>C on the coding strand, the complement: LRTM3 is on the minus strand). VCF-style: chr13-102743033-A-G. GRCh37 (hg19) VCF-style: chr13-103395383-A-G.
Other names: short protein forms F2555S.
Identifiers: ClinVar variation 2643909 (VCV002643909.24), dbSNP rs143357855, ClinGen allele CA7039501.